The following is an entry in ClinVar:

NM_001330723.2(SNX27):c.857C>T (p.Thr286Met)

Gene: SNX27 (sorting nexin 27; plus strand). Cytogenetic location: 1q21.3.
Variant type: single nucleotide variant.
Coding change: c.857C>T on transcript NM_001330723.2 (MANE Select); coding-DNA position 857, C replaced by T.
Protein change: p.Thr286Met; replaces threonine 286 with methionine.
Molecular consequence: missense variant.
Genome position (GRCh38, 1-based): chr1:151,662,221, C>T. VCF-style: chr1-151662221-C-T. GRCh37 (hg19) VCF-style: chr1-151634697-C-T.
Other names: c.857C>T, p.Thr286Met (NM_030918.6); short protein forms T286M.
Identifiers: ClinVar variation 573756 (VCV000573756.9), dbSNP rs540042464, ClinGen allele CA30488358.

ClinVar aggregate classification (germline): Uncertain significance (1 of 4 stars; one submission).

Conditions:
Severe myoclonic epilepsy in infancy (DRVT). Also called: Severe Myoclonic Epilepsy in Infancy (SMEI); SEVERE MYOCLONIC EPILEPSY OF INFANCY; DEVELOPMENTAL AND EPILEPTIC ENCEPHALOPATHY 6A; Dravet syndrome; Epileptic encephalopathy, early infantile, 6 (Dravet syndrome). Identifiers: Orphanet 33069, MedGen C0751122, MONDO:0100135, OMIM 607208.

Allele frequency attached by ClinVar (database versions not stated): gnomAD 0.00001; gnomAD exomes 0.00002 and 0.00003.
gnomAD v4.1: 40 of 1,613,394 alleles (0.0025%); highest among the groups gnomAD compares: East Asian, 0.0067%; no homozygotes.

Submission:

Labcorp Genetics (formerly Invitae), Labcorp
Classification: Uncertain significance for Severe myoclonic epilepsy in infancy. Last evaluated: 2022-05-21. Review status: criteria provided, single submitter. Criteria: Invitae Variant Classification Sherloc (09022015). Collection method: clinical testing. Allele origin: germline.
Comment: In summary, the available evidence is currently insufficient to determine the role of this variant in disease. Therefore, it has been classified as a Variant of Uncertain Significance. Algorithms developed to predict the effect of missense changes on protein structure and function (SIFT, PolyPhen-2, Align-GVGD) all suggest that this variant is likely to be disruptive. ClinVar contains an entry for this variant (Variation ID: 573756). This variant has not been reported in the literature in individuals affected with SNX27-related conditions. This variant is present in population databases (rs540042464, gnomAD 0.003%). This sequence change replaces threonine, which is neutral and polar, with methionine, which is neutral and non-polar, at codon 286 of the SNX27 protein (p.Thr286Met).